The following is an entry in ClinVar:

NM_001267550.2(TTN):c.37454-5T>G

Gene: TTN (titin; minus strand). Cytogenetic location: 2q31.2.
Variant type: single nucleotide variant.
Coding change: c.37454-5T>G on transcript NM_001267550.2 (MANE Select); 5 bases into the intron before coding-DNA position 37454, T replaced by G.
Molecular consequence: intron variant.
Genome position (GRCh38, 1-based): chr2:178,658,799, A>C on the plus strand (T>G on the coding strand, the complement: TTN is on the minus strand). VCF-style: chr2-178658799-A-C. GRCh37 (hg19) VCF-style: chr2-179523526-A-C.
Other names: c.31741+206T>G (NM_133378.4); c.34522+206T>G (NM_001256850.1); c.13283-16482T>G (NM_003319.4); c.13859-16482T>G (NM_133437.4); c.13658-16482T>G (NM_133432.3).
Identifiers: ClinVar variation 3061442 (VCV003061442.2), dbSNP rs2472690887, ClinGen allele CA2740096192.
Genomic context (GRCh38, chr2:178,658,799, plus strand): 5'-AGGCACCGGTACTTTCTTTTCTGGGACCACTTCCTTCGGTGGCAGCACTTCAGGCACTTC[A>C]AAGATATTTGTAATTTGTGTTTAGAAAAGGTGAAAACGATGGATGCCTTTTGCATATAAA-3'

ClinVar aggregate classification (germline): Uncertain significance (0 of 4 stars; one submission).

Conditions:
TTN-related disorder. Also called: TTN-related condition; TTN-related disease; TTN-related disorders.

Submission:

PreventionGenetics, part of Exact Sciences
Classification: Uncertain significance for TTN-related condition. Last evaluated: 2024-02-16. Review status: no assertion criteria provided. Collection method: clinical testing. Allele origin: germline.
Comment: The TTN c.37454-5T>G variant is predicted to interfere with splicing. This variant is predicted to interfere with splicing based on available splicing prediction programs (SpliceAI, Jaganathan et al. 2019. PubMed ID: 30661751). However, the use of computer prediction programs is not equivalent to functional evidence. To our knowledge, this variant has not been reported in the literature or in a large population database, indicating this variant is rare. This variant falls within a highly paralogous region. Allele frequency data should be interpreted with caution. At this time, the clinical significance of this variant is uncertain due to the absence of conclusive functional and genetic evidence.